The following is an entry in ClinVar:

ClinVar aggregate classification (germline): Benign/Likely benign. Review status: criteria provided, multiple submitters, no conflicts (2 of 4 stars). 5 submissions from 5 submitters: Benign (2); Likely benign (3). Last evaluated 2026-07-01.

Allele frequency attached by ClinVar (database versions not stated): gnomAD 0.00053 and 0.00060; 1000 Genomes Project 30x 0.00062; gnomAD exomes 0.00064 and 0.00098; TOPMed 0.00073; 1000 Genomes Project 0.00080; ESP Exome Variant Server 0.00085; ExAC 0.00096.
gnomAD v4.1: 1,042 of 1,562,148 alleles (0.067%); highest among the groups gnomAD compares: Middle Eastern, 0.92%; 6 homozygotes.

Submissions (5):

CeGaT Center for Human Genetics Tuebingen
Classification: Likely benign. Last evaluated: 2026-07-01. Review status: criteria provided, single submitter. Criteria: CeGaT Center For Human Genetics Tuebingen Variant Classification Criteria Version 2. Collection method: clinical testing. Allele origin: germline. Affected: yes. Observed: 3 variant alleles.
Comment: TMEM94: BP4, BP7

Women's Health and Genetics/Laboratory Corporation of America, LabCorp
Classification: Likely benign. Last evaluated: 2026-06-12. Review status: criteria provided, single submitter. Criteria: LabCorp Variant Classification Summary - May 2015. Collection method: clinical testing. Allele origin: germline.

Blueprint Genetics
Classification: Likely benign. Last evaluated: 2024-11-13. Review status: criteria provided, single submitter. Criteria: ACMG Guidelines, 2015. Collection method: clinical testing. Allele origin: germline.

Labcorp Genetics (formerly Invitae), Labcorp
Classification: Benign. Last evaluated: 2018-05-31. Review status: criteria provided, single submitter. Criteria: Invitae Variant Classification Sherloc (09022015). Collection method: clinical testing. Allele origin: germline.

Breakthrough Genomics
Classification: Benign. Review status: criteria provided, single submitter. Criteria: ACMG Guidelines, 2015. Collection method: not provided. Allele origin: germline. Inheritance: Autosomal recessive inheritance. Affected: yes.

NM_014738.6(TMEM94):c.3852G>A (p.Thr1284=)

Gene: TMEM94 (transmembrane protein 94; plus strand). Cytogenetic location: 17q25.1.
Variant type: single nucleotide variant.
Coding change: c.3852G>A on transcript NM_014738.6 (MANE Select); coding-DNA position 3852, G replaced by A.
Protein change: p.Thr1284=; no amino-acid change (threonine 1284 retained).
Molecular consequence: synonymous variant.
Genome position (GRCh38, 1-based): chr17:75,498,936, G>A. VCF-style: chr17-75498936-G-A. GRCh37 (hg19) VCF-style: chr17-73495017-G-A.
Other names: c.3882G>A, p.Thr1294= (NM_001321148.2); c.3864G>A, p.Thr1288= (NM_001321149.2); c.3804G>A, p.Thr1268= (NM_001351202.2); c.3879G>A, p.Thr1293= (NM_001351203.2).
Identifiers: ClinVar variation 710888 (VCV000710888.30), dbSNP rs143232832, ClinGen allele CA8762663.
Genomic context (GRCh38, chr17:75,498,936, plus strand): 5'-AGTGTCGGGTTCACACGGGGCCGCCACCTCCTGCAGGCTGCTGGGTCAGGTGGTCCAGAC[G>A]GCTGTGGACCTGCAGCTGTGGACACACAGGGACAGCCACGTCCACTTTGGCCTGGAGGAC-3'
Protein context (NP_055553.3, residues 1274-1294): PVVLLGQVVQ[Thr1284=]AVDLQLWTHR